The following is an entry in ClinVar:

ClinVar aggregate classification (germline): Pathogenic. Review status: criteria provided, multiple submitters, no conflicts (2 of 4 stars). 5 submissions from 5 submitters: Pathogenic (4). 1 of the submissions does not count toward it. Last evaluated 2025-11-22.

Conditions:
Hypercholesterolemia, autosomal dominant, type B (FHCL2). Also called: Familial Hypercholesterolemia Type B; APOLIPOPROTEIN B-100, FAMILIAL DEFECTIVE; APOLIPOPROTEIN B-100, FAMILIAL LIGAND-DEFECTIVE; Familial hypercholesterolemia 2; HYPERCHOLESTEROLEMIA, FAMILIAL, DUE TO LIGAND-DEFECTIVE APOLIPOPROTEIN B; Hyperlipoproteinemia Type IIb. Identifiers: MedGen C1704417, MONDO:0007751, OMIM 144010.
Familial hypobetalipoproteinemia 1. Also called: Hypobetalipoproteinemia, normotriglyceridemic; Acanthocytosis with hypobetalipoproteinemia; APOB-Related Familial Hypobetalipoproteinemia. Identifiers: MedGen C4551990, MONDO:0014252, OMIM 615558.
Familial hypobetalipoproteinemia (FHBL). Also called: Hypobetalipoproteinemia, familial, associated with apob39; Hypobetalipoproteinemia, familial, associated with apob40; Hypobetalipoproteinemia, familial, associated with apob90 or apob89; Hypobetalipoproteinemia, familial, associated with apob46; Hypobetalipoproteinemia, familial, associated with apob87; Hypobetalipoproteinemia, familial, associated with apob31. Identifiers: MedGen C1862596.

gnomAD v4.1: 2 of 1,614,184 alleles (0.00012%); highest among the groups gnomAD compares: Non-Finnish European, 0.00017%; no homozygotes.

Submissions (5):

GeneDx
Classification: Pathogenic. Last evaluated: 2025-11-22. Review status: criteria provided, single submitter. Criteria: GeneDx Variant Classification Process June 2021. Collection method: clinical testing. Allele origin: germline.
Comment: Nonsense variant predicted to result in protein truncation or nonsense mediated decay in a gene for which loss of function is a known mechanism of disease; Not observed at significant frequency in large population cohorts (gnomAD); Also known as p.R1306*; This variant is associated with the following publications: (PMID: 27153395, 30782561, 25430706, 33207932, 33111339, 33339817, 2843815)

Revvity Omics, Revvity
Classification: Pathogenic. Last evaluated: 2023-09-19. Review status: criteria provided, single submitter. Criteria: ACMG Guidelines, 2015. Collection method: clinical testing. Allele origin: germline.

Labcorp Genetics (formerly Invitae), Labcorp
Classification: Pathogenic for Familial hypobetalipoproteinemia 1; Hypercholesterolemia, autosomal dominant, type B. Last evaluated: 2023-09-10. Review status: criteria provided, single submitter. Criteria: Invitae Variant Classification Sherloc (09022015). Collection method: clinical testing. Allele origin: germline.
Comment: ClinVar contains an entry for this variant (Variation ID: 17883). This variant is also known as Arg1306->Term. This premature translational stop signal has been observed in individual(s) with familial hypobetalipoproteinemia (PMID: 2843815, 33207932). This variant is not present in population databases (gnomAD no frequency). This sequence change creates a premature translational stop signal (p.Arg1333*) in the APOB gene. It is expected to result in an absent or disrupted protein product. Loss-of-function variants in APOB are known to be pathogenic (PMID: 20032471). For these reasons, this variant has been classified as Pathogenic.

Clinical Genetics Service, Universitary Hospital 12 de Octubre
Classification: Pathogenic for Hypercholesterolemia, autosomal dominant, type B. Review status: criteria provided, single submitter. Criteria: ACMG Guidelines, 2015. Collection method: clinical testing. Allele origin: germline. Affected: yes.

OMIM
Classification: Pathogenic for HYPOBETALIPOPROTEINEMIA, FAMILIAL. Last evaluated: 1988-09-12. Review status: no assertion criteria provided. Collection method: literature only. Allele origin: germline. Not counted in ClinVar's aggregate classification.

Literature cited by the submitters: PubMed 2843815 (cited by Labcorp Genetics (formerly Invitae), Labcorp and OMIM); PubMed 33207932 (cited by Labcorp Genetics (formerly Invitae), Labcorp); PubMed 20032471 (cited by Labcorp Genetics (formerly Invitae), Labcorp).

NM_000384.3(APOB):c.3997C>T (p.Arg1333Ter)

Gene: APOB (apolipoprotein B; minus strand). Cytogenetic location: 2p24.1.
Variant type: single nucleotide variant.
Coding change: c.3997C>T on transcript NM_000384.3 (MANE Select); coding-DNA position 3997, C replaced by T.
Protein change: p.Arg1333Ter; replaces arginine 1333 with a stop codon.
Molecular consequence: nonsense.
Genome position (GRCh38, 1-based): chr2:21,013,379, G>A on the plus strand (C>T on the coding strand, the complement: APOB is on the minus strand). VCF-style: chr2-21013379-G-A. GRCh37 (hg19) VCF-style: chr2-21236251-G-A.
Other names: R1306*; c.3997C>T (NM_000384.2); short protein forms R1333*.
Identifiers: ClinVar variation 17883 (VCV000017883.12), dbSNP rs121918383, ClinGen allele CA022827.
Genomic context (GRCh38, chr2:21,013,379, plus strand): 5'-GGAGAGGCACTTGCAGTTGATACAACTTGGGAATGGTAAAAGTAGGGACTTGGAACTCTC[G>A]AGATGGCAGATGGAATCCCACAGACTTGAAGTGGAGGGCTGGTGTCCTAACAGTCTCTAA-3'